The following is an entry in ClinVar:

NM_004145.4(MYO9B):c.6456G>A (p.Ser2152=)

Gene: MYO9B (myosin IXB; plus strand). Cytogenetic location: 19p13.11.
Variant type: single nucleotide variant.
Coding change: c.6456G>A on transcript NM_004145.4 (MANE Select); coding-DNA position 6456, G replaced by A.
Protein change: p.Ser2152=; no amino-acid change (serine 2152 retained).
Molecular consequence: synonymous variant. On other transcripts: 3 prime UTR variant (1).
Genome position (GRCh38, 1-based): chr19:17,212,292, G>A. VCF-style: chr19-17212292-G-A. GRCh37 (hg19) VCF-style: chr19-17323101-G-A.
Other names: c.*399G>A (NM_001130065.2).
Identifiers: ClinVar variation 2649536 (VCV002649536.24), dbSNP rs369135686, ClinGen allele CA9288928.

ClinVar aggregate classification (germline): Likely benign (1 of 4 stars; one submission).

Allele frequency attached by ClinVar (database versions not stated): 1000 Genomes Project 30x 0.00109; 1000 Genomes Project 0.00140; gnomAD 0.00216; ESP Exome Variant Server 0.00224; ExAC 0.00543.
gnomAD v4.1: 4,066 of 1,517,548 alleles (0.27%); highest among the groups gnomAD compares: Middle Eastern, 0.33%; 8 homozygotes.

Submission:

CeGaT Center for Human Genetics Tuebingen
Classification: Likely benign. Last evaluated: 2022-03-01. Review status: criteria provided, single submitter. Criteria: CeGaT Center For Human Genetics Tuebingen Variant Classification Criteria Version 2. Collection method: clinical testing. Allele origin: germline. Affected: yes. Observed: 1 variant allele.
Comment: MYO9B: BP4, BP7